The following is an entry in ClinVar:

ClinVar aggregate classification (germline): Conflicting classifications of pathogenicity. Review status: criteria provided, conflicting classifications (1 of 4 stars). 2 submissions from 2 submitters: Uncertain significance (1); Likely benign (1). Last evaluated 2024-06-07.

Conditions:
Hereditary cancer-predisposing syndrome. Also called: Neoplastic Syndromes, Hereditary; Tumor predisposition; Hereditary Cancer Syndrome; Hereditary neoplastic syndrome. Identifiers: Orphanet 140162, MedGen C0027672, MeSH D009386, MONDO:0015356.

Allele frequency attached by ClinVar (database versions not stated): gnomAD exomes below 0.00001.
gnomAD v4.1: 1 of 1,613,766 alleles (0.000062%); highest among the groups gnomAD compares: East Asian, 0.0022%; no homozygotes.

Submissions (2):

Ambry Genetics
Classification: Uncertain significance for Hereditary cancer-predisposing syndrome. Last evaluated: 2024-06-07. Review status: criteria provided, single submitter. Criteria: Ambry Variant Classification Scheme 2023. Collection method: clinical testing. Allele origin: germline.
Comment: The p.K1095E variant (also known as c.3283A>G), located in coding exon 9 of the BRCA1 gene, results from an A to G substitution at nucleotide position 3283. The lysine at codon 1095 is replaced by glutamic acid, an amino acid with similar properties. This alteration was observed with an allele frequency of 0.00071 in 7,051 unselected female breast cancer patients and was not observed in 11,241 female controls of Japanese ancestry. In addition, it was not observed in unselected male breast cancer patients and was observed with an allele frequency of 0.0001 in 12,490 male controls of Japanese ancestry (Momozawa Y et al. Nat Commun, 2018 10;9:4083). In another case-control study, this alteration was reported with a carrier frequency of 0.00013 in 7636 unselected prostate cancer patients and 0.00008 in 12366 male controls of Japanese ancestry (Momozawa Y. J Natl Cancer Inst. 2020 Apr;112(4):369-376). This amino acid position is poorly conserved in available vertebrate species. In addition, this alteration is predicted to be tolerated by in silico analysis. Since supporting evidence is limited at this time, the clinical significance of this alteration remains unclear.

University of Washington Department of Laboratory Medicine, University of Washington
Classification: Likely benign for Hereditary cancer-predisposing syndrome. Last evaluated: 2023-03-23. Review status: criteria provided, single submitter. Criteria: Dines et al. (Genet Med. 2020). Collection method: curation. Allele origin: germline.
Comment: Missense variant in a coldspot region where missense variants are very unlikely to be pathogenic (PMID:31911673).

BRCA1 coldspot (exon 11 using historical exon numbering). Reclassification based on statistical prior probability

Literature cited by the submitters: PubMed 30287823 (cited by Ambry Genetics); PubMed 31214711 (cited by Ambry Genetics); PubMed 37731132 (cited by Ambry Genetics).

NM_007294.4(BRCA1):c.3283A>G (p.Lys1095Glu)

Genes: BRCA1 (BRCA1 DNA repair associated; minus strand), LOC126862571 (BRD4-independent group 4 enhancer GRCh37_chr17:41243136-41244335; plus strand). Cytogenetic location: 17q21.31.
Variant type: single nucleotide variant.
Coding change: c.3283A>G on transcript NM_007294.4 (MANE Select); coding-DNA position 3283, A replaced by G.
Protein change: p.Lys1095Glu; replaces lysine 1095 with glutamic acid.
Molecular consequence: missense variant. On other transcripts: intron variant (137).
Genome position (GRCh38, 1-based): chr17:43,092,248, T>C on the plus strand (A>G on the coding strand, the complement: BRCA1 is on the minus strand). VCF-style: chr17-43092248-T-C. GRCh37 (hg19) VCF-style: chr17-41244265-T-C.
Other names: c.785-1216A>G (NM_001408396.1, NM_001407985.1, NM_001408397.1 and 13 more transcripts); c.548-1216A>G (NM_001408494.1); c.665-1216A>G (NM_001408444.1, NM_001408438.1, NM_001408430.1 and 12 more transcripts); c.671-1216A>G (NM_001408420.1, NM_001408423.1, NM_001408419.1 and 2 more transcripts); c.788-1216A>G (NM_001408404.1, NM_001407990.1, NM_007299.4 and 17 more transcripts); c.3142A>G, p.Lys1048Glu (NM_001407738.1, NM_001407739.1, NM_001407750.1 and 29 more transcripts); c.3139A>G, p.Lys1047Glu (NM_001407740.1, NM_001407741.1, NM_001407742.1 and 20 more transcripts); c.3070A>G, p.Lys1024Glu (NM_001407853.1, NM_001407894.1, NM_001407895.1 and 9 more transcripts); and 41 more; short protein forms K1024E, K1053E, K1069E, K1094E, K1095E, K799E, K1007E, K1025E.
Identifiers: ClinVar variation 1729764 (VCV001729764.5), dbSNP rs2154331903, ClinGen allele CA10595423.